The following is an entry in ClinVar:

NM_000275.3(OCA2):c.1255C>T (p.Arg419Trp)

Gene: OCA2 (OCA2 melanosomal transmembrane protein; minus strand). Cytogenetic location: 15q13.1.
Variant type: single nucleotide variant.
Coding change: c.1255C>T on transcript NM_000275.3 (MANE Select); coding-DNA position 1255, C replaced by T.
Protein change: p.Arg419Trp; replaces arginine 419 with tryptophan.
Molecular consequence: missense variant.
Genome position (GRCh38, 1-based): chr15:27,985,173, G>A on the plus strand (C>T on the coding strand, the complement: OCA2 is on the minus strand). VCF-style: chr15-27985173-G-A. GRCh37 (hg19) VCF-style: chr15-28230319-G-A.
Other names: c.1183C>T, p.Arg395Trp (NM_001300984.2); short protein forms R419W, R395W.
Identifiers: ClinVar variation 194160 (VCV000194160.36), dbSNP rs143218168, ClinGen allele CA240003.

ClinVar aggregate classification (germline): Conflicting classifications of pathogenicity. Review status: criteria provided, conflicting classifications (1 of 4 stars). 15 submissions from 15 submitters: Pathogenic (10); Likely pathogenic (1); Uncertain significance (3). 1 of the submissions does not count toward it. Last evaluated 2026-03-03.

Conditions:
OCA2-related disorder. Also called: OCA2-related condition.
Inborn genetic diseases. Identifiers: MedGen C0950123, MeSH D030342.
Oculocutaneous albinism. Identifiers: Orphanet 55, MedGen C0078918, MONDO:0018910.
Tyrosinase-positive oculocutaneous albinism (OCA2). Also called: Oculocutaneous albinism type 2; ALBINISM II; Albinism, oculocutaneous, type II. Identifiers: Orphanet 79432, MedGen C0268495, MONDO:0008746, OMIM 203200.
SKIN/HAIR/EYE PIGMENTATION 1, BLUE/NONBLUE EYES (SHEP1). Also called: BROWN EYE COLOR 2; SKIN/HAIR/EYE PIGMENTATION 1, BLOND/BROWN HAIR; SKIN/HAIR/EYE PIGMENTATION 1, BLUE/BROWN EYES; EYE COLOR 3; EYE COLOR, BLUE/NONBLUE; EYE COLOR, BROWN/BLUE. Identifiers: MedGen C1856895, OMIM 227220.

Allele frequency attached by ClinVar (database versions not stated): ExAC 0.00025; gnomAD 0.00052 and 0.00054; TOPMed 0.00071; 1000 Genomes Project 0.00080; ESP Exome Variant Server 0.00100; 1000 Genomes Project 30x 0.00109.

Submissions 1 to 10 of 15:

Ambry Genetics
Classification: Pathogenic for Inborn genetic diseases. Last evaluated: 2026-03-03. Review status: criteria provided, single submitter. Criteria: Ambry Variant Classification Scheme 2023. Collection method: clinical testing. Allele origin: germline.
Comment: The c.1255C>T (p.R419W) alteration is located in exon 13 (coding exon 12) of the OCA2 gene. This alteration results from a C to T substitution at nucleotide position 1255, causing the arginine (R) at amino acid position 419 to be replaced by a tryptophan (W). Based on data from gnomAD, this allele has an overall frequency of 0.027% (74/278302) total alleles studied. The highest observed frequency was 0.207% (51/24646) of African alleles. This variant has been identified in the homozygous state and/or in conjunction with other OCA2 variant(s) in individual(s) with features consistent with OCA2-related oculocutaneous albinism; in at least one instance, the variants were identified in trans (Spritz, 1997; Lasseaux, 2018; Zhong, 2019; Xu, 2021). This amino acid position is highly conserved in available vertebrate species. This alteration is predicted to be deleterious by in silico analysis. Based on the available evidence, this alteration is classified as pathogenic.

Labcorp Genetics (formerly Invitae), Labcorp
Classification: Pathogenic. Last evaluated: 2026-01-20. Review status: criteria provided, single submitter. Criteria: Invitae Variant Classification Sherloc (09022015). Collection method: clinical testing. Allele origin: germline.
Comment: This sequence change replaces arginine, which is basic and polar, with tryptophan, which is neutral and slightly polar, at codon 419 of the OCA2 protein (p.Arg419Trp). This variant is present in population databases (rs143218168, gnomAD 0.2%). This missense change has been observed in individual(s) with oculocutaneous albinism (PMID: 9259203, 21458243, 29345414, 31077556). In at least one individual the data is consistent with being in trans (on the opposite chromosome) from a pathogenic variant. ClinVar contains an entry for this variant (Variation ID: 194160). Invitae Evidence Modeling of protein sequence and biophysical properties (such as structural, functional, and spatial information, amino acid conservation, physicochemical variation, residue mobility, and thermodynamic stability) indicates that this missense variant is expected to disrupt OCA2 protein function with a positive predictive value of 80%. For these reasons, this variant has been classified as Pathogenic.

Variantyx, Inc.
Classification: Pathogenic for Tyrosinase-positive oculocutaneous albinism. Last evaluated: 2025-12-01. Review status: criteria provided, single submitter. Criteria: Variantyx Assertion Criteria 2022. Collection method: clinical testing. Allele origin: germline. Inheritance: Autosomal recessive inheritance. Affected: no.
Comment: This is a nonsynonymous variant in the OCA2 gene (OMIM: 611409). Pathogenic variants in this gene have been associated with autosomal recessive oculocutaneous albinism type II. This variant has been identified in the homozygous or compound heterozygous state in at least eight unrelated individuals (PMID: 21458243, 29345414, 31077556, 33124154, 3380838, 34426522) (PM3_VeryStrong). Multiple computational algorithms predict a deleterious effect for this variant (REVEL score: 0.697) (PP3). The alteration has a 0.1878% maximum allele frequency in non-founder control populations (PM2). Based on the current evidence, this variant is classified as pathogenic for autosomal recessive oculocutaneous albinism type II.

GeneDx
Classification: Pathogenic. Last evaluated: 2025-11-21. Review status: criteria provided, single submitter. Criteria: GeneDx Variant Classification Process June 2021. Collection method: clinical testing. Allele origin: germline. Affected: yes.
Comment: In silico analysis supports that this missense variant has a deleterious effect on protein structure/function; This variant is associated with the following publications: (PMID: 31229681, 9259203, 30025130, 30414346, 34426522, 31077556, 32552135, 33808351, 37194472, 34707637, 33124154, 34838614, 35488210, 37882226, 37471664)

Women's Health and Genetics/Laboratory Corporation of America, LabCorp
Classification: Pathogenic for Oculocutaneous albinism. Last evaluated: 2025-10-13. Review status: criteria provided, single submitter. Criteria: LabCorp Variant Classification Summary - May 2015. Collection method: clinical testing. Allele origin: germline.
Comment: Variant summary: OCA2 c.1255C>T (p.Arg419Trp) results in a non-conservative amino acid change in the encoded protein sequence. Algorithms developed to predict the effect of missense changes on protein structure and function all suggest that this variant is likely to be disruptive. The variant allele was found at a frequency of 0.00022 in 246900 control chromosomes. This frequency is not significantly higher than estimated for disease-causing variants in OCA2, allowing no conclusion about variant significance. c.1255C>T has been observed in multiple individuals affected with Oculocutaneous Albinism (example: Wei_2022). These data indicate that the variant is very likely to be associated with disease. The following publication has been ascertained in the context of this evaluation (PMID: 34838614). ClinVar contains an entry for this variant (Variation ID: 194160). Based on the evidence outlined above, the variant was classified as pathogenic.

Dasa
Classification: Pathogenic. Last evaluated: 2024-12-06. Review status: criteria provided, single submitter. Criteria: DASA Assertion Criteria. Collection method: clinical testing. Allele origin: germline.
Comment: NM_000275.3(OCA2):c.1255C>T (p.Arg419Trp) is a missense variant that results in the substitution of arginine with tryptophan. Multiple computational predictions support a deleterious effect on the gene or gene product. Based on the available data, this variant is classified as pathogenic.

Blueprint Genetics
Classification: Pathogenic for OCA2-related disorders. Last evaluated: 2024-10-09. Review status: criteria provided, single submitter. Criteria: ACMG Guidelines, 2015. Collection method: clinical testing. Allele origin: germline. Affected: yes. Observed: 5 variant alleles.

Fulgent Genetics
Classification: Likely pathogenic for Tyrosinase-positive oculocutaneous albinism; SKIN/HAIR/EYE PIGMENTATION 1, BLUE/NONBLUE EYES. Last evaluated: 2024-06-13. Review status: criteria provided, single submitter. Criteria: ACMG Guidelines, 2015. Collection method: clinical testing. Allele origin: germline.

Baylor Genetics
Classification: Pathogenic for SKIN/HAIR/EYE PIGMENTATION 1, BLUE/NONBLUE EYES. Last evaluated: 2024-03-24. Review status: criteria provided, single submitter. Criteria: ACMG Guidelines, 2015. Collection method: clinical testing. Allele origin: unknown.

Genome-Nilou Lab
Classification: Uncertain significance for Tyrosinase-positive oculocutaneous albinism. Last evaluated: 2021-11-07. Review status: criteria provided, single submitter. Criteria: ACMG Guidelines, 2015. Collection method: clinical testing. Allele origin: germline. Affected: no.